The following is an entry in ClinVar:

NM_014846.4(WASHC5):c.3104G>A (p.Arg1035His)

Gene: WASHC5 (WASH complex subunit 5; minus strand). Cytogenetic location: 8q24.13.
Variant type: single nucleotide variant.
Coding change: c.3104G>A on transcript NM_014846.4 (MANE Select); coding-DNA position 3104, G replaced by A.
Protein change: p.Arg1035His; replaces arginine 1035 with histidine.
Molecular consequence: missense variant.
Genome position (GRCh38, 1-based): chr8:125,037,314, C>T on the plus strand (G>A on the coding strand, the complement: WASHC5 is on the minus strand). VCF-style: chr8-125037314-C-T. GRCh37 (hg19) VCF-style: chr8-126049556-C-T.
Other names: c.2660G>A, p.Arg887His (NM_001330609.2); short protein forms R1035H, R887H.
Identifiers: ClinVar variation 410081 (VCV000410081.12), dbSNP rs761500521, ClinGen allele CA4873308.

ClinVar aggregate classification (germline): Uncertain significance. Review status: criteria provided, multiple submitters, no conflicts (2 of 4 stars). 2 submissions from 2 submitters: Uncertain significance (2). Last evaluated 2023-04-17.

Conditions:
Hereditary spastic paraplegia 8 (SPG8). Also called: SPASTIC PARAPLEGIA 8, AUTOSOMAL DOMINANT. Identifiers: Orphanet 100989, MedGen C1863704, MONDO:0011339, OMIM 603563.
Ritscher-Schinzel syndrome. Also called: CRANIOCEREBELLOCARDIAC DYSPLASIA. Identifiers: Orphanet 7, MedGen C0796137, MONDO:0019078.
Hereditary spastic paraplegia. Also called: Familial spastic paraparesis. Identifiers: Orphanet 685, MedGen C0037773, MONDO:0019064. Disease mechanism: loss of function.

Allele frequency attached by ClinVar (database versions not stated): ExAC 0.00006; TOPMed 0.00001; gnomAD exomes 0.00002 and 0.00004; gnomAD 0.00001.
gnomAD v4.1: 28 of 1,608,458 alleles (0.0017%); highest among the groups gnomAD compares: East Asian, 0.0022%; no homozygotes.

Submissions (2):

Labcorp Genetics (formerly Invitae), Labcorp
Classification: Uncertain significance for Ritscher-Schinzel syndrome; Hereditary spastic paraplegia 8. Last evaluated: 2023-04-17. Review status: criteria provided, single submitter. Criteria: Invitae Variant Classification Sherloc (09022015). Collection method: clinical testing. Allele origin: germline.
Comment: This sequence change replaces arginine, which is basic and polar, with histidine, which is basic and polar, at codon 1035 of the WASHC5 protein (p.Arg1035His). This variant is present in population databases (rs761500521, gnomAD 0.006%). This missense change has been observed in individual(s) with WASHC5-related conditions (PMID: 32816195). ClinVar contains an entry for this variant (Variation ID: 410081). Advanced modeling of protein sequence and biophysical properties (such as structural, functional, and spatial information, amino acid conservation, physicochemical variation, residue mobility, and thermodynamic stability) performed at Invitae indicates that this missense variant is not expected to disrupt WASHC5 protein function. In summary, the available evidence is currently insufficient to determine the role of this variant in disease. Therefore, it has been classified as a Variant of Uncertain Significance.

Genome Diagnostics Laboratory, The Hospital for Sick Children
Classification: Uncertain significance for Hereditary spastic paraplegia. Last evaluated: 2017-11-05. Review status: criteria provided, single submitter. Criteria: ACMG Guidelines, 2015. Collection method: clinical testing. Allele origin: germline. Affected: yes.

Literature cited by the submitters: PubMed 32816195 (cited by Labcorp Genetics (formerly Invitae), Labcorp).